The following is an entry in ClinVar:

NM_015072.5(TTLL5):c.720_721del (p.Leu240_Tyr241insTer)

Gene: TTLL5 (tubulin tyrosine ligase like 5; plus strand). Cytogenetic location: 14q24.3.
Variant type: Microsatellite.
Coding change: c.720_721del on transcript NM_015072.5 (MANE Select); coding-DNA positions 720 to 721, 2 bases deleted (CT; older notation c.720_721delCT).
Protein change: p.Leu240_Tyr241insTer.
Molecular consequence: frameshift variant.
Genome position (GRCh38, 1-based): chr14:75,707,687-75,707,688, CT deleted; deleting any 2 consecutive bases within chr14:75,707,684-75,707,688 gives the same sequence; the c. name uses the placement nearest the transcript's 3' end. VCF-style (leftmost placement, unchanged base first): chr14-75707683-ATC-A. GRCh37 (hg19) VCF-style: chr14-76174026-ATC-A.
Identifiers: ClinVar variation 935127 (VCV000935127.7), dbSNP rs754950305, ClinGen allele CA263683048.

ClinVar aggregate classification (germline): Pathogenic (1 of 4 stars; one submission).

Submission:

Labcorp Genetics (formerly Invitae), Labcorp
Classification: Pathogenic. Last evaluated: 2022-09-20. Review status: criteria provided, single submitter. Criteria: Invitae Variant Classification Sherloc (09022015). Collection method: clinical testing. Allele origin: germline.
Comment: For these reasons, this variant has been classified as Pathogenic. ClinVar contains an entry for this variant (Variation ID: 935127). This variant has not been reported in the literature in individuals affected with TTLL5-related conditions. This variant is present in population databases (rs754950305, gnomAD 0.002%). This sequence change creates a premature translational stop signal (p.Tyr241*) in the TTLL5 gene. It is expected to result in an absent or disrupted protein product. Loss-of-function variants in TTLL5 are known to be pathogenic (PMID: 24791901, 27162334).

Literature cited by the submitters: PubMed 24791901; PubMed 27162334.